The following is an entry in ClinVar:

ClinVar aggregate classification (germline): Conflicting classifications of pathogenicity. Review status: criteria provided, conflicting classifications (1 of 4 stars). 4 submissions from 4 submitters: Uncertain significance (3); Likely benign (1). Last evaluated 2025-04-14.

Allele frequency attached by ClinVar (database versions not stated): gnomAD exomes 0.00003 and 0.00010; TOPMed 0.00006; ExAC 0.00007; gnomAD 0.00007; ESP Exome Variant Server 0.00008.
gnomAD v4.1: 160 of 1,600,432 alleles (0.01%); highest among the groups gnomAD compares: Middle Eastern, 0.016%; 1 homozygote.

Submissions (4):

Women's Health and Genetics/Laboratory Corporation of America, LabCorp
Classification: Uncertain significance. Last evaluated: 2025-04-14. Review status: criteria provided, single submitter. Criteria: LabCorp Variant Classification Summary - May 2015. Collection method: clinical testing. Allele origin: germline.
Comment: Variant summary: NOTCH3 c.1469G>C (p.Gly490Ala) results in a non-conservative amino acid change located in the EGF-like calcium-binding domain (IPR001881) of the encoded protein sequence. Four of five in-silico tools predict a damaging effect of the variant on protein function. The variant allele was found at a frequency of 2.6e-05 in 229152 control chromosomes. The available data on variant occurrences in the general population are insufficient to allow any conclusion about variant significance. c.1469G>C has been observed in an individual affected with Cerebral arteriopathy, autosomal dominant, with subcortical infarcts and leukoencephalopathy, type 1 (Dunn_2020). These report(s) do not provide unequivocal conclusions about association of the variant with Cerebral arteriopathy, autosomal dominant, with subcortical infarcts and leukoencephalopathy, type 1. To our knowledge, no experimental evidence demonstrating an impact on protein function has been reported. The following publication have been ascertained in the context of this evaluation (PMID: 31915071). ClinVar contains an entry for this variant (Variation ID: 593975). Based on the evidence outlined above, the variant was classified as uncertain significance.

Labcorp Genetics (formerly Invitae), Labcorp
Classification: Uncertain significance. Last evaluated: 2024-08-21. Review status: criteria provided, single submitter. Criteria: Invitae Variant Classification Sherloc (09022015). Collection method: clinical testing. Allele origin: germline.
Comment: This sequence change replaces glycine, which is neutral and non-polar, with alanine, which is neutral and non-polar, at codon 490 of the NOTCH3 protein (p.Gly490Ala). This variant is present in population databases (rs374248747, gnomAD 0.006%). This missense change has been observed in individual(s) with cerebral arteriopathy with subcortical infarcts and leukoencephalopathy (PMID: 31915071). ClinVar contains an entry for this variant (Variation ID: 593975). Invitae Evidence Modeling of protein sequence and biophysical properties (such as structural, functional, and spatial information, amino acid conservation, physicochemical variation, residue mobility, and thermodynamic stability) indicates that this missense variant is not expected to disrupt NOTCH3 protein function with a negative predictive value of 95%. In summary, the available evidence is currently insufficient to determine the role of this variant in disease. Therefore, it has been classified as a Variant of Uncertain Significance.

CeGaT Center for Human Genetics Tuebingen
Classification: Likely benign. Last evaluated: 2022-07-01. Review status: criteria provided, single submitter. Criteria: CeGaT Center For Human Genetics Tuebingen Variant Classification Criteria Version 2. Collection method: clinical testing. Allele origin: germline. Affected: yes. Observed: 2 variant alleles.
Comment: NOTCH3: PP2, BS2

Eurofins Ntd Llc (ga)
Classification: Uncertain significance. Last evaluated: 2017-09-11. Review status: criteria provided, single submitter. Criteria: EGL Classification Definitions 2015. Collection method: clinical testing. Allele origin: germline. Observed: 1 variant allele, 1 heterozygote.

Literature cited by the submitters: PubMed 31915071 (cited by Women's Health and Genetics/Laboratory Corporation of America, LabCorp and Labcorp Genetics (formerly Invitae), Labcorp).

NM_000435.3(NOTCH3):c.1469G>C (p.Gly490Ala)

Gene: NOTCH3 (notch receptor 3; minus strand). Cytogenetic location: 19p13.12.
Variant type: single nucleotide variant.
Coding change: c.1469G>C on transcript NM_000435.3 (MANE Select); coding-DNA position 1469, G replaced by C.
Protein change: p.Gly490Ala; replaces glycine 490 with alanine.
Molecular consequence: missense variant.
Genome position (GRCh38, 1-based): chr19:15,188,258, C>G on the plus strand (G>C on the coding strand, the complement: NOTCH3 is on the minus strand). VCF-style: chr19-15188258-C-G. GRCh37 (hg19) VCF-style: chr19-15299069-C-G.
Other names: short protein forms G490A.
Identifiers: ClinVar variation 593975 (VCV000593975.50), dbSNP rs374248747, ClinGen allele CA9263630.